The following is an entry in ClinVar:

ClinVar aggregate classification (germline): Uncertain significance. Review status: criteria provided, multiple submitters, no conflicts (2 of 4 stars). 2 submissions from 2 submitters: Uncertain significance (2). Last evaluated 2024-11-26.

Allele frequency attached by ClinVar (database versions not stated): gnomAD 0.00001; TOPMed 0.00001.

Submissions (2):

Labcorp Genetics (formerly Invitae), Labcorp
Classification: Uncertain significance. Last evaluated: 2024-11-26. Review status: criteria provided, single submitter. Criteria: Invitae Variant Classification Sherloc (09022015). Collection method: clinical testing. Allele origin: germline.
Comment: This sequence change replaces asparagine, which is neutral and polar, with lysine, which is basic and polar, at codon 345 of the KIF20A protein (p.Asn345Lys). This variant is not present in population databases (gnomAD no frequency). This variant has not been reported in the literature in individuals affected with KIF20A-related conditions. ClinVar contains an entry for this variant (Variation ID: 2319452). An algorithm developed to predict the effect of missense changes on protein structure and function (PolyPhen-2) suggests that this variant is likely to be disruptive. In summary, the available evidence is currently insufficient to determine the role of this variant in disease. Therefore, it has been classified as a Variant of Uncertain Significance.

Ambry Genetics
Classification: Uncertain significance. Last evaluated: 2022-10-25. Review status: criteria provided, single submitter. Criteria: Ambry Variant Classification Scheme 2023. Collection method: clinical testing. Allele origin: germline.

NM_005733.3(KIF20A):c.1035C>A (p.Asn345Lys)

Gene: KIF20A (kinesin family member 20A; plus strand). Cytogenetic location: 5q31.2.
Variant type: single nucleotide variant.
Coding change: c.1035C>A on transcript NM_005733.3 (MANE Select); coding-DNA position 1035, C replaced by A.
Protein change: p.Asn345Lys; replaces asparagine 345 with lysine.
Molecular consequence: missense variant.
Genome position (GRCh38, 1-based): chr5:138,183,477, C>A. VCF-style: chr5-138183477-C-A. GRCh37 (hg19) VCF-style: chr5-137519166-C-A.
Other names: short protein forms N345K.
Identifiers: ClinVar variation 2319452 (VCV002319452.5), dbSNP rs771510754, ClinGen allele CA361114984.